The following is an entry in ClinVar:

NM_153460.4(IL17RC):c.1289G>A (p.Arg430His)

Gene: IL17RC (interleukin 17 receptor C; plus strand). Cytogenetic location: 3p25.3.
Variant type: single nucleotide variant.
Coding change: c.1289G>A on transcript NM_153460.4 (MANE Select); coding-DNA position 1289, G replaced by A.
Protein change: p.Arg430His; replaces arginine 430 with histidine.
Molecular consequence: missense variant. On other transcripts: non-coding transcript variant (1).
Genome position (GRCh38, 1-based): chr3:9,930,410, G>A. VCF-style: chr3-9930410-G-A. GRCh37 (hg19) VCF-style: chr3-9972094-G-A.
Other names: c.1289G>A, p.Arg430His (NM_001203263.2); c.1238G>A, p.Arg413His (NM_001203264.2); c.1193G>A, p.Arg398His (NM_001203265.2); c.1250G>A, p.Arg417His (NM_001367278.1); c.1169G>A, p.Arg390His (NM_001367279.1); c.1244G>A, p.Arg415His (NM_001367280.1, NM_032732.6); c.1502G>A, p.Arg501His (NM_153461.4); short protein forms R501H, R430H, R398H, R413H, R417H, R415H, R390H.
Identifiers: ClinVar variation 475921 (VCV000475921.8), dbSNP rs377162755, ClinGen allele CA2247226.

ClinVar aggregate classification (germline): Uncertain significance. Review status: criteria provided, multiple submitters, no conflicts (2 of 4 stars). 2 submissions from 2 submitters: Uncertain significance (2). Last evaluated 2025-05-19.

Conditions:
Candidiasis, familial, 9 (CANDF9). Identifiers: Orphanet 1334, MedGen C4225324, MONDO:0014642, OMIM 616445.

Allele frequency attached by ClinVar (database versions not stated): ExAC 0.00001; gnomAD exomes 0.00002; TOPMed 0.00002; ESP Exome Variant Server 0.00015.

Submissions (2):

Labcorp Genetics (formerly Invitae), Labcorp
Classification: Uncertain significance for Candidiasis, familial, 9. Last evaluated: 2025-05-19. Review status: criteria provided, single submitter. Criteria: Invitae Variant Classification Sherloc (09022015). Collection method: clinical testing. Allele origin: germline.
Comment: This sequence change replaces arginine, which is basic and polar, with histidine, which is basic and polar, at codon 501 of the IL17RC protein (p.Arg501His). This variant is present in population databases (rs377162755, gnomAD 0.005%). This variant has not been reported in the literature in individuals affected with IL17RC-related conditions. ClinVar contains an entry for this variant (Variation ID: 475921). An algorithm developed to predict the effect of missense changes on protein structure and function outputs the following: PolyPhen-2: "Benign". The histidine amino acid residue is found in multiple mammalian species, which suggests that this missense change does not adversely affect protein function. In summary, the available evidence is currently insufficient to determine the role of this variant in disease. Therefore, it has been classified as a Variant of Uncertain Significance.

Ambry Genetics
Classification: Uncertain significance. Last evaluated: 2024-12-23. Review status: criteria provided, single submitter. Criteria: Ambry Variant Classification Scheme 2023. Collection method: clinical testing. Allele origin: germline.